The following is an entry in ClinVar:

ClinVar aggregate classification (germline): Pathogenic. Review status: criteria provided, single submitter (1 of 4 stars). 2 submissions from 2 submitters: Pathogenic (1). 1 of the submissions does not count toward it. Last evaluated 2022-08-27.

Conditions:
Townes syndrome (TBS). Also called: Townes-Brocks syndrome. Identifiers: Orphanet 857, MedGen C0265246, MeSH C536974, MONDO:0007142.

Submissions (2):

Labcorp Genetics (formerly Invitae), Labcorp
Classification: Pathogenic for Townes syndrome. Last evaluated: 2022-08-27. Review status: criteria provided, single submitter. Criteria: Invitae Variant Classification Sherloc (09022015). Collection method: clinical testing. Allele origin: germline.
Comment: This sequence change creates a premature translational stop signal (p.Gln238*) in the SALL1 gene. It is expected to result in an absent or disrupted protein product. Loss-of-function variants in SALL1 are known to be pathogenic (PMID: 9973281, 12915476, 16088922, 23069192). This variant is not present in population databases (gnomAD no frequency). This variant has not been reported in the literature in individuals affected with SALL1-related conditions. ClinVar contains an entry for this variant (Variation ID: 562380). For these reasons, this variant has been classified as Pathogenic.

Gharavi Laboratory, Columbia University
Classification: Likely pathogenic. Last evaluated: 2018-09-16. Review status: no assertion criteria provided. Criteria: ACMG Guidelines, 2015. Collection method: research. Allele origin: germline. Affected: yes. Not counted in ClinVar's aggregate classification.

Literature cited by the submitters: PubMed 9973281 (cited by Labcorp Genetics (formerly Invitae), Labcorp); PubMed 12915476 (cited by Labcorp Genetics (formerly Invitae), Labcorp); PubMed 16088922 (cited by Labcorp Genetics (formerly Invitae), Labcorp); PubMed 23069192 (cited by Labcorp Genetics (formerly Invitae), Labcorp).

NM_002968.3(SALL1):c.712C>T (p.Gln238Ter)

Gene: SALL1 (spalt like transcription factor 1; minus strand). Cytogenetic location: 16q12.1.
Variant type: single nucleotide variant.
Coding change: c.712C>T on transcript NM_002968.3 (MANE Select); coding-DNA position 712, C replaced by T.
Protein change: p.Gln238Ter; replaces glutamine 238 with a stop codon.
Molecular consequence: nonsense.
Genome position (GRCh38, 1-based): chr16:51,141,510, G>A on the plus strand (C>T on the coding strand, the complement: SALL1 is on the minus strand). VCF-style: chr16-51141510-G-A. GRCh37 (hg19) VCF-style: chr16-51175421-G-A.
Other names: c.421C>T, p.Gln141Ter (NM_001127892.2); short protein forms Q238*, Q141*.
Identifiers: ClinVar variation 562380 (VCV000562380.8), dbSNP rs1567316325, ClinGen allele CA395891015.